The following is an entry in ClinVar:

NM_001365276.2(TNXB):c.4432G>A (p.Gly1478Arg)

Gene: TNXB (tenascin XB; minus strand). Cytogenetic location: 6p21.33.
Variant type: single nucleotide variant.
Coding change: c.4432G>A on transcript NM_001365276.2 (MANE Select); coding-DNA position 4432, G replaced by A.
Protein change: p.Gly1478Arg; replaces glycine 1478 with arginine.
Molecular consequence: missense variant.
Genome position (GRCh38, 1-based): chr6:32,073,896, C>T on the plus strand (G>A on the coding strand, the complement: TNXB is on the minus strand). VCF-style: chr6-32073896-C-T. GRCh37 (hg19) VCF-style: chr6-32041673-C-T.
Other names: c.5173G>A, p.Gly1725Arg (NM_001428335.1); c.4432G>A, p.Gly1478Arg (NM_019105.8); short protein forms G1478R, G1725R.
Identifiers: ClinVar variation 3809300 (VCV003809300.1).

ClinVar aggregate classification (germline): Uncertain significance (1 of 4 stars; one submission).

Conditions:
Cardiovascular phenotype. Identifiers: MedGen CN230736.

gnomAD v4.1: 9 of 1,609,074 alleles (0.00056%); highest among the groups gnomAD compares: African/African-American, 0.011%; no homozygotes.

Submission:

Ambry Genetics
Classification: Uncertain significance for Cardiovascular phenotype. Last evaluated: 2025-03-03. Review status: criteria provided, single submitter. Criteria: Ambry Variant Classification Scheme 2023. Collection method: clinical testing. Allele origin: germline.
Comment: The p.G1478R variant (also known as c.4432G>A), located in coding exon 11 of the TNXB gene, results from a G to A substitution at nucleotide position 4432. The glycine at codon 1478 is replaced by arginine, an amino acid with dissimilar properties. This amino acid position is conserved. In addition, this alteration is predicted to be tolerated by in silico analysis. Based on the available evidence, the clinical significance of this variant remains unclear.